The following is an entry in ClinVar:

ClinVar aggregate classification (germline): Pathogenic/Likely pathogenic. Review status: criteria provided, multiple submitters, no conflicts (2 of 4 stars). 2 submissions from 2 submitters: Pathogenic (1); Likely pathogenic (1). Last evaluated 2022-05-04.

Conditions:
Corpus callosum agenesis-abnormal genitalia syndrome. Also called: PROUD SYNDROME; ACC WITH ABNORMAL GENITALIA. Identifiers: Orphanet 2508, MedGen C0796124, MONDO:0010224, OMIM 300004.

Submissions (2):

Mendelics
Classification: Pathogenic for Corpus callosum agenesis-abnormal genitalia syndrome. Last evaluated: 2022-05-04. Review status: criteria provided, single submitter. Criteria: Mendelics Assertion Criteria 2019. Collection method: clinical testing. Allele origin: germline.

GeneDx
Classification: Likely pathogenic. Last evaluated: 2016-05-09. Review status: criteria provided, single submitter. Criteria: GeneDx Variant Classification (06012015). Collection method: clinical testing. Allele origin: germline. Affected: yes.
Comment: A novel K538E variant that is likely pathogenic has been identified in the ARX gene. The K538E variant has not been published as a pathogenic variant, nor has it been reported as a benign variant to our knowledge. The K538E variant was not observed in approximately 5,900 individuals of European and African American ancestry in the NHLBI Exome Sequencing Project, indicating it is not a common benign variant in these populations. The K538E variant is a non-conservative amino acid substitution, which is likely to impact secondary protein structure as these residues differ in polarity, charge, size and/or other properties. This substitution occurs at a conserved position predicted to be within the Aristless domain of the protein, and missense variants in nearby residues (L535Q, R536S, L537P, A539T) have been reported in the Human Gene Mutation Database in association with ARX-related disorders (Stenson et al., 2014), supporting the functional importance of this region of the protein. In silico analysis predicts this variant is probably damaging to the protein structure/function. Therefore, this variant is likely pathogenic; however, the possibility that it is benign cannot be excluded.

NM_139058.3(ARX):c.1612A>G (p.Lys538Glu)

Gene: ARX (aristaless related homeobox; minus strand). Cytogenetic location: Xp21.3.
Variant type: single nucleotide variant.
Coding change: c.1612A>G on transcript NM_139058.3 (MANE Select); coding-DNA position 1612, A replaced by G.
Protein change: p.Lys538Glu; replaces lysine 538 with glutamic acid.
Molecular consequence: missense variant.
Genome position (GRCh38, 1-based): chrX:25,004,747, T>C on the plus strand (A>G on the coding strand, the complement: ARX is on the minus strand). VCF-style: chrX-25004747-T-C. GRCh37 (hg19) VCF-style: chrX-25022864-T-C.
Other names: short protein forms K538E.
Identifiers: ClinVar variation 421001 (VCV000421001.3), dbSNP rs1064794843, ClinGen allele CA16621348.